The following is an entry in ClinVar:

NM_000426.4(LAMA2):c.796A>G (p.Ile266Val)

Gene: LAMA2 (laminin subunit alpha 2; plus strand). Cytogenetic location: 6q22.33.
Variant type: single nucleotide variant.
Coding change: c.796A>G on transcript NM_000426.4 (MANE Select); coding-DNA position 796, A replaced by G.
Protein change: p.Ile266Val; replaces isoleucine 266 with valine.
Molecular consequence: missense variant.
Genome position (GRCh38, 1-based): chr6:129,144,057, A>G. VCF-style: chr6-129144057-A-G. GRCh37 (hg19) VCF-style: chr6-129465202-A-G.
Other names: c.796A>G, p.Ile266Val (NM_001079823.2); short protein forms I266V.
Identifiers: ClinVar variation 2039919 (VCV002039919.2), dbSNP rs994183064, ClinGen allele CA146883466.

ClinVar aggregate classification (germline): Uncertain significance. Review status: criteria provided, multiple submitters, no conflicts (2 of 4 stars). 2 submissions from 2 submitters: Uncertain significance (2). Last evaluated 2025-11-03.

Conditions:
Inborn genetic diseases. Identifiers: MedGen C0950123, MeSH D030342.
LAMA2-related muscular dystrophy (LAMA2-RD). Also called: Laminin alpha 2-related dystrophy. Identifiers: MedGen C5679788, MONDO:0100228.

Allele frequency attached by ClinVar (database versions not stated): gnomAD exomes 0.00003; gnomAD 0.00005; TOPMed 0.00005.
gnomAD v4.1: 50 of 1,612,218 alleles (0.0031%); highest among the groups gnomAD compares: Admixed American, 0.005%; no homozygotes.

Submissions (2):

Ambry Genetics
Classification: Uncertain significance for Inborn genetic diseases. Last evaluated: 2025-11-03. Review status: criteria provided, single submitter. Criteria: Ambry Variant Classification Scheme 2023. Collection method: clinical testing. Allele origin: germline.

Labcorp Genetics (formerly Invitae), Labcorp
Classification: Uncertain significance for LAMA2-related muscular dystrophy. Last evaluated: 2021-08-26. Review status: criteria provided, single submitter. Criteria: Invitae Variant Classification Sherloc (09022015). Collection method: clinical testing. Allele origin: germline.
Comment: This sequence change replaces isoleucine with valine at codon 266 of the LAMA2 protein (p.Ile266Val). The isoleucine residue is moderately conserved and there is a small physicochemical difference between isoleucine and valine. This variant is not present in population databases (ExAC no frequency). This variant has not been reported in the literature in individuals affected with LAMA2-related conditions. Algorithms developed to predict the effect of missense changes on protein structure and function (SIFT, PolyPhen-2, Align-GVGD) all suggest that this variant is likely to be tolerated. In summary, the available evidence is currently insufficient to determine the role of this variant in disease. Therefore, it has been classified as a Variant of Uncertain Significance.